The following is an entry in ClinVar:

NM_006904.7(PRKDC):c.1274A>G (p.Asp425Gly)

Gene: PRKDC (protein kinase, DNA-activated, catalytic subunit; minus strand). Cytogenetic location: 8q11.21.
Variant type: single nucleotide variant.
Coding change: c.1274A>G on transcript NM_006904.7 (MANE Select); coding-DNA position 1274, A replaced by G.
Protein change: p.Asp425Gly; replaces aspartic acid 425 with glycine.
Molecular consequence: missense variant.
Genome position (GRCh38, 1-based): chr8:47,936,357, T>C on the plus strand (A>G on the coding strand, the complement: PRKDC is on the minus strand). VCF-style: chr8-47936357-T-C. GRCh37 (hg19) VCF-style: chr8-48848917-T-C.
Other names: c.1274A>G, p.Asp425Gly (NM_001081640.2); short protein forms D425G.
Identifiers: ClinVar variation 1766129 (VCV001766129.5), dbSNP rs752106941, ClinGen allele CA4741780.

ClinVar aggregate classification (germline): Uncertain significance. Review status: criteria provided, multiple submitters, no conflicts (2 of 4 stars). 2 submissions from 2 submitters: Uncertain significance (2). Last evaluated 2025-02-18.

Conditions:
Severe combined immunodeficiency due to DNA-PKcs deficiency. Also called: IMMUNODEFICIENCY 26 WITH NEUROLOGIC ABNORMALITIES; Immunodeficiency 26 with or without neurologic abnormalities. Identifiers: Orphanet 317425, MedGen C4014833, MONDO:0014423, OMIM 615966.

Allele frequency attached by ClinVar (database versions not stated): ExAC 0.00001; TOPMed 0.00004.
gnomAD v4.1: 2 of 1,609,374 alleles (0.00012%); highest among the groups gnomAD compares: Admixed American, 0.0034%; no homozygotes.

Submissions (2):

Ambry Genetics
Classification: Uncertain significance. Last evaluated: 2025-02-18. Review status: criteria provided, single submitter. Criteria: Ambry Variant Classification Scheme 2023. Collection method: clinical testing. Allele origin: germline.

Labcorp Genetics (formerly Invitae), Labcorp
Classification: Uncertain significance for Severe combined immunodeficiency due to DNA-PKcs deficiency. Last evaluated: 2022-08-31. Review status: criteria provided, single submitter. Criteria: Invitae Variant Classification Sherloc (09022015). Collection method: clinical testing. Allele origin: germline.
Comment: This sequence change replaces aspartic acid, which is acidic and polar, with glycine, which is neutral and non-polar, at codon 425 of the PRKDC protein (p.Asp425Gly). This variant is present in population databases (rs752106941, gnomAD 0.006%). This variant has not been reported in the literature in individuals affected with PRKDC-related conditions. Experimental studies and prediction algorithms are not available or were not evaluated, and the functional significance of this variant is currently unknown. In summary, the available evidence is currently insufficient to determine the role of this variant in disease. Therefore, it has been classified as a Variant of Uncertain Significance.